The following is an entry in ClinVar:

ClinVar aggregate classification (germline): Uncertain significance (1 of 4 stars; one submission).

Allele frequency attached by ClinVar (database versions not stated): gnomAD exomes below 0.00001; TOPMed below 0.00001.
gnomAD v4.1: 1 of 1,551,744 alleles (0.000064%); highest among the groups gnomAD compares: Middle Eastern, 0.017%; no homozygotes.

Submission:

Labcorp Genetics (formerly Invitae), Labcorp
Classification: Uncertain significance. Last evaluated: 2024-10-21. Review status: criteria provided, single submitter. Criteria: Invitae Variant Classification Sherloc (09022015). Collection method: clinical testing. Allele origin: germline.
Comment: This sequence change replaces glutamine, which is neutral and polar, with arginine, which is basic and polar, at codon 84 of the LRIT3 protein (p.Gln84Arg). This variant is not present in population databases (gnomAD no frequency). This variant has not been reported in the literature in individuals affected with LRIT3-related conditions. ClinVar contains an entry for this variant (Variation ID: 967419). An algorithm developed to predict the effect of missense changes on protein structure and function outputs the following: PolyPhen-2: "Benign". The arginine amino acid residue is found in multiple mammalian species, which suggests that this missense change does not adversely affect protein function. In summary, the available evidence is currently insufficient to determine the role of this variant in disease. Therefore, it has been classified as a Variant of Uncertain Significance.

NM_198506.5(LRIT3):c.251A>G (p.Gln84Arg)

Gene: LRIT3 (leucine rich repeat, Ig-like and transmembrane domains 3; plus strand). Cytogenetic location: 4q25.
Variant type: single nucleotide variant.
Coding change: c.251A>G on transcript NM_198506.5 (MANE Select); coding-DNA position 251, A replaced by G.
Protein change: p.Gln84Arg; replaces glutamine 84 with arginine.
Molecular consequence: missense variant.
Genome position (GRCh38, 1-based): chr4:109,851,638, A>G. VCF-style: chr4-109851638-A-G. GRCh37 (hg19) VCF-style: chr4-110772794-A-G.
Other names: short protein forms Q84R.
Identifiers: ClinVar variation 967419 (VCV000967419.6), dbSNP rs1734272490, ClinGen allele CA357871320.